The following is an entry in ClinVar:

NM_001379500.1(COL18A1):c.2978C>G (p.Pro993Arg)

Genes: COL18A1 (collagen type XVIII alpha 1 chain; plus strand), SLC19A1 (solute carrier family 19 member 1; minus strand). Cytogenetic location: 21q22.3.
Variant type: single nucleotide variant.
Coding change: c.2978C>G on transcript NM_001379500.1 (MANE Select); coding-DNA position 2978, C replaced by G.
Protein change: p.Pro993Arg; replaces proline 993 with arginine.
Molecular consequence: missense variant.
Genome position (GRCh38, 1-based): chr21:45,505,243, C>G. VCF-style: chr21-45505243-C-G. GRCh37 (hg19) VCF-style: chr21-46925157-C-G.
Other names: c.3509C>G, p.Pro1170Arg (NM_030582.4); c.4214C>G, p.Pro1405Arg (NM_130444.3); short protein forms P1170R, P993R, P1405R.
Identifiers: ClinVar variation 2012796 (VCV002012796.4), dbSNP rs2517792215, ClinGen allele CA410499583.
Genomic context (GRCh38, chr21:45,505,243, plus strand): 5'-AGGGACCCCCCGGCATCGGCTACGAGGGGCGCCAGGGCCCTCCCGGCCCCCCAGGCCCCC[C>G]AGGGCCCCCTTCATTTCCTGGCCCTCACAGGCAGAGTAAGTCAGTGGGGAGTGGGCCCCG-3'
Protein context (NP_001366429.1, residues 983-1003): RQGPPGPPGP[Pro993Arg]GPPSFPGPHR

ClinVar aggregate classification (germline): Uncertain significance (1 of 4 stars; one submission).

Submission:

Labcorp Genetics (formerly Invitae), Labcorp
Classification: Uncertain significance. Last evaluated: 2022-10-17. Review status: criteria provided, single submitter. Criteria: Invitae Variant Classification Sherloc (09022015). Collection method: clinical testing. Allele origin: germline.
Comment: In summary, the available evidence is currently insufficient to determine the role of this variant in disease. Therefore, it has been classified as a Variant of Uncertain Significance. Experimental studies and prediction algorithms are not available or were not evaluated, and the functional significance of this variant is currently unknown. This variant has not been reported in the literature in individuals affected with COL18A1-related conditions. This variant is not present in population databases (gnomAD no frequency). This sequence change replaces proline, which is neutral and non-polar, with arginine, which is basic and polar, at codon 990 of the COL18A1 protein (p.Pro990Arg).